The following is an entry in ClinVar:

ClinVar aggregate classification (germline): Pathogenic (1 of 4 stars; one submission).

Submission:

Labcorp Genetics (formerly Invitae), Labcorp
Classification: Pathogenic. Last evaluated: 2023-02-14. Review status: criteria provided, single submitter. Criteria: Invitae Variant Classification Sherloc (09022015). Collection method: clinical testing. Allele origin: germline.
Comment: Algorithms developed to predict the effect of sequence changes on RNA splicing suggest that this variant may disrupt the consensus splice site. For these reasons, this variant has been classified as Pathogenic. This variant has not been reported in the literature in individuals affected with ITGA6-related conditions. This variant is not present in population databases (gnomAD no frequency). This sequence change creates a premature translational stop signal (p.Val802Cysfs*2) in the ITGA6 gene. It is expected to result in an absent or disrupted protein product. Loss-of-function variants in ITGA6 are known to be pathogenic (PMID: 9158140, 9185503, 9804362, 27607025).

Literature cited by the submitters: PubMed 9158140; PubMed 9185503; PubMed 9804362; PubMed 27607025.

NC_000002.12:g.172488124AG[1]

Genes: ITGA6 (integrin subunit alpha 6; plus strand), PDK1-AS1 (PDK1 and ITGA6 antisense RNA 1; minus strand). Cytogenetic location: 2q31.1.
Variant type: Microsatellite.
Genome position: GRCh38 VCF-style: chr2-172488123-CAG-C. GRCh37 (hg19) VCF-style: chr2-173352851-CAG-C.
Identifiers: ClinVar variation 2836988 (VCV002836988.3), dbSNP rs2468381989, ClinGen allele CA2739271658.